The following is an entry in ClinVar:

NM_005052.3(RAC3):c.321C>T (p.His107=)

Gene: RAC3 (Rac family small GTPase 3; plus strand). Cytogenetic location: 17q25.3.
Variant type: single nucleotide variant.
Coding change: c.321C>T on transcript NM_005052.3 (MANE Select); coding-DNA position 321, C replaced by T.
Protein change: p.His107=; no amino-acid change (histidine 107 retained).
Molecular consequence: synonymous variant.
Genome position (GRCh38, 1-based): chr17:82,033,472, C>T. VCF-style: chr17-82033472-C-T. GRCh37 (hg19) VCF-style: chr17-79991348-C-T.
Other names: c.321C>T, p.His107= (NM_001316307.2).
Identifiers: ClinVar variation 3778255 (VCV003778255.7).

ClinVar aggregate classification (germline): Likely benign (1 of 4 stars; one submission).

Submission:

CeGaT Center for Human Genetics Tuebingen
Classification: Likely benign. Last evaluated: 2025-03-01. Review status: criteria provided, single submitter. Criteria: CeGaT Center For Human Genetics Tuebingen Variant Classification Criteria Version 2. Collection method: clinical testing. Allele origin: germline. Affected: yes. Observed: 1 variant allele.
Comment: RAC3: BP4, BP7